The following is an entry in ClinVar:

NM_000388.4(CASR):c.3086A>C (p.Glu1029Ala)

Gene: CASR (calcium sensing receptor; plus strand). Cytogenetic location: 3q21.1.
Variant type: single nucleotide variant.
Coding change: c.3086A>C on transcript NM_000388.4 (MANE Select); coding-DNA position 3086, A replaced by C.
Protein change: p.Glu1029Ala; replaces glutamic acid 1029 with alanine.
Molecular consequence: missense variant.
Genome position (GRCh38, 1-based): chr3:122,285,040, A>C. VCF-style: chr3-122285040-A-C. GRCh37 (hg19) VCF-style: chr3-122003887-A-C.
Other names: c.3116A>C, p.Glu1039Ala (NM_001178065.2); short protein forms E1039A, E1029A.
Identifiers: ClinVar variation 1461068 (VCV001461068.8), dbSNP rs2107651904, ClinGen allele CA354161409.

ClinVar aggregate classification (germline): Uncertain significance (1 of 4 stars; one submission).

Conditions:
Familial hypocalciuric hypercalcemia (FHH). Also called: Familial benign hypercalcemia. Identifiers: Orphanet 405, MedGen C1809471, MONDO:0018458.
Autosomal dominant hypocalcemia 1 (HYPOC1). Also called: HYPOCALCEMIA, FAMILIAL. Identifiers: MedGen C3715128, MONDO:0011013, OMIM 601198.

Submission:

Labcorp Genetics (formerly Invitae), Labcorp
Classification: Uncertain significance for Familial hypocalciuric hypercalcemia; Autosomal dominant hypocalcemia 1. Last evaluated: 2023-10-15. Review status: criteria provided, single submitter. Criteria: Invitae Variant Classification Sherloc (09022015). Collection method: clinical testing. Allele origin: germline.
Comment: This sequence change replaces glutamic acid, which is acidic and polar, with alanine, which is neutral and non-polar, at codon 1029 of the CASR protein (p.Glu1029Ala). This variant is not present in population databases (gnomAD no frequency). This variant has not been reported in the literature in individuals affected with CASR-related conditions. ClinVar contains an entry for this variant (Variation ID: 1461068). An algorithm developed to predict the effect of missense changes on protein structure and function (PolyPhen-2) suggests that this variant is likely to be tolerated. In summary, the available evidence is currently insufficient to determine the role of this variant in disease. Therefore, it has been classified as a Variant of Uncertain Significance.